The following is an entry in ClinVar:

NM_020320.5(RARS2):c.398C>A (p.Ser133Ter)

Gene: RARS2 (arginyl-tRNA synthetase 2, mitochondrial; minus strand). Cytogenetic location: 6q15.
Variant type: single nucleotide variant.
Coding change: c.398C>A on transcript NM_020320.5 (MANE Select); coding-DNA position 398, C replaced by A.
Protein change: p.Ser133Ter; replaces serine 133 with a stop codon.
Molecular consequence: nonsense. On other transcripts: non-coding transcript variant (15), intron variant (2), 5 prime UTR variant (5).
Genome position (GRCh38, 1-based): chr6:87,548,644, G>T on the plus strand (C>A on the coding strand, the complement: RARS2 is on the minus strand). VCF-style: chr6-87548644-G-T. GRCh37 (hg19) VCF-style: chr6-88258362-G-T.
Other names: c.-74-2945C>A (NM_001350509.2, NM_001318785.2); c.398C>A, p.Ser133Ter (NM_001350505.2); c.-128C>A (NM_001350506.2, NM_001350507.2, NM_001350508.2 and 2 more transcripts); short protein forms S133*.
Identifiers: ClinVar variation 2758462 (VCV002758462.3), dbSNP rs2484309410, ClinGen allele CA364934357.

ClinVar aggregate classification (germline): Pathogenic (1 of 4 stars; one submission).

Allele frequency attached by ClinVar (database versions not stated): gnomAD exomes below 0.00001.
gnomAD v4.1: 1 of 1,612,084 alleles (0.000062%); highest among the groups gnomAD compares: South Asian, 0.0011%; no homozygotes.

Submission:

Labcorp Genetics (formerly Invitae), Labcorp
Classification: Pathogenic. Last evaluated: 2023-06-02. Review status: criteria provided, single submitter. Criteria: Invitae Variant Classification Sherloc (09022015). Collection method: clinical testing. Allele origin: germline.
Comment: Algorithms developed to predict the effect of sequence changes on RNA splicing suggest that this variant may disrupt the consensus splice site. For these reasons, this variant has been classified as Pathogenic. This variant has not been reported in the literature in individuals affected with RARS2-related conditions. This sequence change creates a premature translational stop signal (p.Ser133*) in the RARS2 gene. It is expected to result in an absent or disrupted protein product. Loss-of-function variants in RARS2 are known to be pathogenic (PMID: 17847012, 22569581, 26083569). This variant is not present in population databases (gnomAD no frequency).

Literature cited by the submitters: PubMed 17847012; PubMed 22569581; PubMed 26083569.